The following is an entry in ClinVar:

ClinVar aggregate classification (germline): Pathogenic/Likely pathogenic. Review status: criteria provided, multiple submitters, no conflicts (2 of 4 stars). 4 submissions from 4 submitters: Pathogenic (1); Likely pathogenic (3). Last evaluated 2023-04-11.

Conditions:
ASH1L-related disorder. Also called: ASH1L-related condition.
Intellectual developmental disorder, autosomal dominant 52. Also called: Intellectual disability, autosomal dominant 52; Mental retardation, autosomal dominant 52. Identifiers: MedGen C4540478, MONDO:0030918, OMIM 617796.

Submissions (4):

Genome-Nilou Lab
Classification: Likely pathogenic for Intellectual developmental disorder, autosomal dominant 52. Last evaluated: 2023-04-11. Review status: criteria provided, single submitter. Criteria: ACMG Guidelines, 2015. Collection method: clinical testing. Allele origin: germline. Affected: no.

PreventionGenetics, part of Exact Sciences
Classification: Likely pathogenic for ASH1L-related condition. Last evaluated: 2023-03-15. Review status: criteria provided, single submitter. Criteria: ACMG Guidelines, 2015. Collection method: clinical testing. Allele origin: germline.
Comment: The ASH1L c.4902_4903delTT variant is predicted to result in a frameshift and premature protein termination (p.Ser1635Cysfs*18). To our knowledge, this variant has not been reported in the literature or in a large population database, indicating this variant is rare. This variant is interpreted as pathogenic/likely pathogenic in ClinVar. Frameshift variants in ASH1L are expected to be pathogenic. This variant is interpreted as likely pathogenic.

Greenwood Genetic Center Diagnostic Laboratories, Greenwood Genetic Center
Classification: Likely pathogenic for Intellectual developmental disorder, autosomal dominant 52. Last evaluated: 2021-09-10. Review status: criteria provided, single submitter. Criteria: ACMG Guidelines, 2015. Collection method: clinical testing. Allele origin: somatic. Affected: yes.
Comment: PVS1, PM2

Labcorp Genetics (formerly Invitae), Labcorp
Classification: Pathogenic. Last evaluated: 2019-10-25. Review status: criteria provided, single submitter. Criteria: Invitae Variant Classification Sherloc (09022015). Collection method: clinical testing. Allele origin: germline.
Comment: This sequence change creates a premature translational stop signal (p.Ser1635Cysfs*18) in the ASH1L gene. It is expected to result in an absent or disrupted protein product. This variant is not present in population databases (ExAC no frequency). This variant has not been reported in the literature in individuals with ASH1L-related conditions. Loss-of-function variants in ASH1L are known to be pathogenic (PMID: 29276005). For these reasons, this variant has been classified as Pathogenic.

Literature cited by the submitters: PubMed 29276005 (cited by Labcorp Genetics (formerly Invitae), Labcorp).

NM_018489.3(ASH1L):c.4902_4903del (p.Ser1635fs)

Gene: ASH1L (ASH1 like histone lysine methyltransferase; minus strand). Cytogenetic location: 1q22.
Variant type: Deletion.
Coding change: c.4902_4903del on transcript NM_018489.3 (MANE Select); coding-DNA positions 4902 to 4903, 2 bases deleted (TT; older notation c.4902_4903delTT).
Protein change: p.Ser1635fs; shifts the reading frame from serine 1635.
Molecular consequence: frameshift variant.
Genome position (GRCh38, 1-based): chr1:155,477,967-155,477,968, AA deleted on the plus strand (TT on the coding strand, the reverse complement: ASH1L is on the minus strand); deleting any 2 consecutive bases within chr1:155,477,967-155,477,970 gives the same sequence; the c. name uses the placement nearest the transcript's 3' end. VCF-style (leftmost placement, unchanged base first): chr1-155477966-GAA-G. GRCh37 (hg19) VCF-style: chr1-155447757-GAA-G.
Other names: c.4902_4903delTT (NM_018489.2); c.4902_4903del, p.Ser1635fs (NM_001366177.2); short protein forms S1635fs.
Identifiers: ClinVar variation 962517 (VCV000962517.16), dbSNP rs1665684529, ClinGen allele CA645532384.